The following is an entry in ClinVar:

ClinVar aggregate classification (germline): Pathogenic (1 of 4 stars; one submission).

Conditions:
Nemaline myopathy 2 (NEM2). Also called: Nemaline myopathy 2, autosomal recessive. Identifiers: MedGen C1850569, MONDO:0009725, OMIM 256030.

Submission:

Labcorp Genetics (formerly Invitae), Labcorp
Classification: Pathogenic for Nemaline myopathy 2. Last evaluated: 2022-10-03. Review status: criteria provided, single submitter. Criteria: Invitae Variant Classification Sherloc (09022015). Collection method: clinical testing. Allele origin: germline.
Comment: For these reasons, this variant has been classified as Pathogenic. ClinVar contains an entry for this variant (Variation ID: 1404461). This variant has not been reported in the literature in individuals affected with NEB-related conditions. This variant is not present in population databases (gnomAD no frequency). This sequence change creates a premature translational stop signal (p.Trp3603*) in the NEB gene. It is expected to result in an absent or disrupted protein product. Loss-of-function variants in NEB are known to be pathogenic (PMID: 25205138).

Literature cited by the submitters: PubMed 25205138.

NM_001164508.2(NEB):c.10809G>A (p.Trp3603Ter)

Gene: NEB (nebulin; minus strand). Cytogenetic location: 2q23.3.
Variant type: single nucleotide variant.
Coding change: c.10809G>A on transcript NM_001164508.2 (MANE Select); coding-DNA position 10809, G replaced by A.
Protein change: p.Trp3603Ter; replaces tryptophan 3603 with a stop codon.
Molecular consequence: nonsense.
Genome position (GRCh38, 1-based): chr2:151,619,514, C>T on the plus strand (G>A on the coding strand, the complement: NEB is on the minus strand). VCF-style: chr2-151619514-C-T. GRCh37 (hg19) VCF-style: chr2-152476028-C-T.
Other names: c.10809G>A, p.Trp3603Ter (NM_001164507.2, NM_001271208.2); c.10080G>A, p.Trp3360Ter (NM_004543.5); short protein forms W3603*, W3360*.
Identifiers: ClinVar variation 1404461 (VCV001404461.6), dbSNP rs10172023, ClinGen allele CA348787617.